The following is an entry in ClinVar:

NM_000160.5(GCGR):c.376G>A (p.Glu126Lys)

Gene: GCGR (glucagon receptor; plus strand). Cytogenetic location: 17q25.3.
Variant type: single nucleotide variant.
Coding change: c.376G>A on transcript NM_000160.5 (MANE Select); coding-DNA position 376, G replaced by A.
Protein change: p.Glu126Lys; replaces glutamic acid 126 with lysine.
Molecular consequence: missense variant.
Genome position (GRCh38, 1-based): chr17:81,811,114, G>A. VCF-style: chr17-81811114-G-A. GRCh37 (hg19) VCF-style: chr17-79768990-G-A.
Other names: short protein forms E126K.
Identifiers: ClinVar variation 1509437 (VCV001509437.6), dbSNP rs889041091, ClinGen allele CA295099536.

ClinVar aggregate classification (germline): Uncertain significance (1 of 4 stars; one submission).

Allele frequency attached by ClinVar (database versions not stated): gnomAD 0.00001 and 0.00002; TOPMed 0.00001; gnomAD exomes 0.00003 and 0.00006.
gnomAD v4.1: 85 of 1,536,144 alleles (0.0055%); highest among the groups gnomAD compares: Non-Finnish European, 0.0071%; no homozygotes.

Submission:

Labcorp Genetics (formerly Invitae), Labcorp
Classification: Uncertain significance. Last evaluated: 2026-01-22. Review status: criteria provided, single submitter. Criteria: Invitae Variant Classification Sherloc (09022015). Collection method: clinical testing. Allele origin: germline.
Comment: This sequence change replaces glutamic acid, which is acidic and polar, with lysine, which is basic and polar, at codon 126 of the GCGR protein (p.Glu126Lys). This variant is present in population databases (no rsID available, gnomAD 0.004%). This variant has not been reported in the literature in individuals affected with GCGR-related conditions. ClinVar contains an entry for this variant (Variation ID: 1509437). An algorithm developed to predict the effect of missense changes on protein structure and function outputs the following: PolyPhen-2: "Benign". The lysine amino acid residue is found in multiple mammalian species, which suggests that this missense change does not adversely affect protein function. In summary, the available evidence is currently insufficient to determine the role of this variant in disease. Therefore, it has been classified as a Variant of Uncertain Significance.